The following is an entry in ClinVar:

ClinVar aggregate classification (germline): Uncertain significance (1 of 4 stars; one submission).

Conditions:
Arrhythmogenic right ventricular dysplasia 10. Also called: Arrhythmogenic right ventricular dysplasia/cardiomyopathy, type 10; ARRHYTHMOGENIC RIGHT VENTRICULAR DYSPLASIA, FAMILIAL, 10; Arrhythmogenic Right Ventricular Dysplasia/Cardiomyopathy10. Identifiers: MedGen C1857777, MONDO:0012434, OMIM 610193.

Submission:

Labcorp Genetics (formerly Invitae), Labcorp
Classification: Uncertain significance for Arrhythmogenic right ventricular dysplasia 10. Last evaluated: 2022-10-23. Review status: criteria provided, single submitter. Criteria: Invitae Variant Classification Sherloc (09022015). Collection method: clinical testing. Allele origin: germline.
Comment: This variant has not been reported in the literature in individuals affected with DSG2-related conditions. This sequence change replaces asparagine, which is neutral and polar, with threonine, which is neutral and polar, at codon 768 of the DSG2 protein (p.Asn768Thr). This variant is not present in population databases (gnomAD no frequency). Advanced modeling of protein sequence and biophysical properties (such as structural, functional, and spatial information, amino acid conservation, physicochemical variation, residue mobility, and thermodynamic stability) performed at Invitae indicates that this missense variant is not expected to disrupt DSG2 protein function. In summary, the available evidence is currently insufficient to determine the role of this variant in disease. Therefore, it has been classified as a Variant of Uncertain Significance.

NM_001943.5(DSG2):c.2303A>C (p.Asn768Thr)

Genes: DSG2 (desmoglein 2; plus strand), DSG2-AS1 (DSG2 antisense RNA 1; minus strand). Cytogenetic location: 18q12.1.
Variant type: single nucleotide variant.
Coding change: c.2303A>C on transcript NM_001943.5 (MANE Select); coding-DNA position 2303, A replaced by C.
Protein change: p.Asn768Thr; replaces asparagine 768 with threonine.
Molecular consequence: missense variant.
Genome position (GRCh38, 1-based): chr18:31,542,821, A>C. VCF-style: chr18-31542821-A-C. GRCh37 (hg19) VCF-style: chr18-29122784-A-C.
Other names: short protein forms N768T.
Identifiers: ClinVar variation 1722071 (VCV001722071.5), dbSNP rs2510920864, ClinGen allele CA402143128.
Genomic context (GRCh38, chr18:31,542,821, plus strand): 5'-CAAGGGCCACAGGGGCTTCCAGAGACATGGCCGGAGCTCAGGCAGCTGCTGTTGCACTGA[A>C]CGAAGAATTCTTAAGAAATTATTTCACTGATGTAAGGATGAGTTTTATGTATTGGTGGTG-3'
Protein context (NP_001934.2, residues 758-778): AGAQAAAVAL[Asn768Thr]EEFLRNYFTD